The following is an entry in ClinVar:

NM_025114.4(CEP290):c.4383G>T (p.Lys1461Asn)

Gene: CEP290 (centrosomal protein 290; minus strand). Cytogenetic location: 12q21.32.
Variant type: single nucleotide variant.
Coding change: c.4383G>T on transcript NM_025114.4 (MANE Select); coding-DNA position 4383, G replaced by T.
Protein change: p.Lys1461Asn; replaces lysine 1461 with asparagine.
Molecular consequence: missense variant.
Genome position (GRCh38, 1-based): chr12:88,086,093, C>A on the plus strand (G>T on the coding strand, the complement: CEP290 is on the minus strand). VCF-style: chr12-88086093-C-A. GRCh37 (hg19) VCF-style: chr12-88479870-C-A.
Other names: short protein forms K1461N.
Identifiers: ClinVar variation 638813 (VCV000638813.13), dbSNP rs769732992, ClinGen allele CA6711950.

ClinVar aggregate classification (germline): Uncertain significance. Review status: criteria provided, multiple submitters, no conflicts (2 of 4 stars). 6 submissions from 6 submitters: Uncertain significance (5). 1 of the submissions does not count toward it. Last evaluated 2026-04-10.

Conditions:
CEP290-related disorder. Also called: CEP290-related condition; CEP290-related disorders. Identifiers: MedGen CN239314.
Meckel-Gruber syndrome. Also called: DYSENCEPHALIA SPLANCHNOCYSTICA; GRUBER SYNDROME; Dysencephalia splachnocystica. Identifiers: Orphanet 564, MedGen C0265215, MONDO:0018921.
Joubert syndrome. Also called: Familial aplasia of the vermis; JOUBERT-BOLTSHAUSER SYNDROME. Identifiers: Orphanet 475, MedGen C5979921, MONDO:0018772.
Nephronophthisis. Also called: Juvenile Nephronophthisis. Identifiers: Orphanet 655, MedGen C0687120, MONDO:0019005, HP:0000090.
Inborn genetic diseases. Identifiers: MedGen C0950123, MeSH D030342.
Joubert syndrome 5 (JBTS5). Identifiers: Orphanet 2318, MedGen C1857780, MONDO:0012432, OMIM 610188.
Meckel syndrome, type 4 (MKS4). Also called: MECKEL-GRUBER SYNDROME, TYPE 4. Identifiers: Orphanet 564, MedGen C1970161, MONDO:0012626, OMIM 611134.
Leber congenital amaurosis 10 (LCA10). Identifiers: Orphanet 65, MedGen C1857821, MONDO:0012723, OMIM 611755.
Bardet-Biedl syndrome 14 (BBS14). Identifiers: Orphanet 110, MedGen C2673874, MONDO:0014442, OMIM 615991.
Senior-Loken syndrome 6 (SLSN6). Identifiers: Orphanet 3156, MedGen C1857779, MONDO:0012433, OMIM 610189.
Leber congenital amaurosis (LCA). Also called: Leber's amaurosis. Identifiers: Orphanet 65, MedGen C0339527, MeSH D057130, MONDO:0018998.

Allele frequency attached by ClinVar (database versions not stated): gnomAD 0.00001; gnomAD exomes 0.00001; ExAC 0.00002; TOPMed 0.00002.
gnomAD v4.1: 7 of 1,612,912 alleles (0.00043%); highest among the groups gnomAD compares: Admixed American, 0.01%; no homozygotes.

Submissions (6):

PreventionGenetics, part of Exact Sciences
Classification: Uncertain significance for CEP290-related condition. Last evaluated: 2026-04-10. Review status: criteria provided, single submitter. Criteria: ACMG Guidelines, 2015. Collection method: clinical testing. Allele origin: germline.
Comment: The CEP290 c.4383G>T variant is predicted to result in the amino acid substitution p.Lys1461Asn. To our knowledge, this variant has not been reported in the literature. This variant is reported in 0.0087% of alleles in individuals of Latino descent in gnomAD. At this time, the clinical significance of this variant is uncertain due to the absence of conclusive functional and genetic evidence.

GeneDx
Classification: Uncertain significance. Last evaluated: 2026-01-14. Review status: criteria provided, single submitter. Criteria: GeneDx Variant Classification Process June 2021. Collection method: clinical testing. Allele origin: germline.
Comment: Not observed at significant frequency in large population cohorts (gnomAD); In silico analysis suggests that this missense variant does not alter protein structure/function; Has not been previously published as pathogenic or benign to our knowledge

Ambry Genetics
Classification: Uncertain significance for Inborn genetic diseases. Last evaluated: 2025-02-04. Review status: criteria provided, single submitter. Criteria: Ambry Variant Classification Scheme 2023. Collection method: clinical testing. Allele origin: germline.

Labcorp Genetics (formerly Invitae), Labcorp
Classification: Uncertain significance for Joubert syndrome; Meckel-Gruber syndrome; Nephronophthisis. Last evaluated: 2022-04-12. Review status: criteria provided, single submitter. Criteria: Invitae Variant Classification Sherloc (09022015). Collection method: clinical testing. Allele origin: germline.
Comment: This sequence change replaces lysine, which is basic and polar, with asparagine, which is neutral and polar, at codon 1461 of the CEP290 protein (p.Lys1461Asn). This variant is present in population databases (rs769732992, gnomAD 0.009%). This variant has not been reported in the literature in individuals affected with CEP290-related conditions. ClinVar contains an entry for this variant (Variation ID: 638813). Algorithms developed to predict the effect of missense changes on protein structure and function are either unavailable or do not agree on the potential impact of this missense change (SIFT: "Deleterious"; PolyPhen-2: "Possibly Damaging"; Align-GVGD: "Class C0"). In summary, the available evidence is currently insufficient to determine the role of this variant in disease. Therefore, it has been classified as a Variant of Uncertain Significance.

Fulgent Genetics
Classification: Uncertain significance for Joubert syndrome 5; Senior-Loken syndrome 6; Meckel syndrome, type 4; Leber congenital amaurosis 10; Bardet-Biedl syndrome 14. Last evaluated: 2021-08-12. Review status: criteria provided, single submitter. Criteria: ACMG Guidelines, 2015. Collection method: clinical testing. Allele origin: unknown.

Natera, Inc.
Classification: Uncertain significance for Leber congenital amaurosis. Last evaluated: 2020-11-23. Review status: no assertion criteria provided. Collection method: clinical testing. Allele origin: germline. Not counted in ClinVar's aggregate classification.